The following is an entry in ClinVar:

ClinVar aggregate classification (germline): Uncertain significance. Review status: criteria provided, multiple submitters, no conflicts (2 of 4 stars). 2 submissions from 2 submitters: Uncertain significance (2). Last evaluated 2023-07-27.

Conditions:
Inborn genetic diseases. Identifiers: MedGen C0950123, MeSH D030342.

Allele frequency attached by ClinVar (database versions not stated): TOPMed 0.00005; ESP Exome Variant Server 0.00008; gnomAD 0.00012.
gnomAD v4.1: 35 of 1,613,980 alleles (0.0022%); highest among the groups gnomAD compares: Admixed American, 0.025%; no homozygotes.

Submissions (2):

Labcorp Genetics (formerly Invitae), Labcorp
Classification: Uncertain significance. Last evaluated: 2023-07-27. Review status: criteria provided, single submitter. Criteria: Invitae Variant Classification Sherloc (09022015). Collection method: clinical testing. Allele origin: germline.
Comment: Advanced modeling of protein sequence and biophysical properties (such as structural, functional, and spatial information, amino acid conservation, physicochemical variation, residue mobility, and thermodynamic stability) performed at Invitae indicates that this missense variant is not expected to disrupt ORC1 protein function. In summary, the available evidence is currently insufficient to determine the role of this variant in disease. Therefore, it has been classified as a Variant of Uncertain Significance. ClinVar contains an entry for this variant (Variation ID: 2542701). This variant has not been reported in the literature in individuals affected with ORC1-related conditions. This variant is present in population databases (rs146970307, gnomAD 0.01%). This sequence change replaces arginine, which is basic and polar, with tryptophan, which is neutral and slightly polar, at codon 100 of the ORC1 protein (p.Arg100Trp).

Ambry Genetics
Classification: Uncertain significance for Inborn genetic diseases. Last evaluated: 2023-05-03. Review status: criteria provided, single submitter. Criteria: Ambry Variant Classification Scheme 2023. Collection method: clinical testing. Allele origin: germline.

NM_004153.4(ORC1):c.298C>T (p.Arg100Trp)

Gene: ORC1 (origin recognition complex subunit 1; minus strand). Cytogenetic location: 1p32.3.
Variant type: single nucleotide variant.
Coding change: c.298C>T on transcript NM_004153.4 (MANE Select); coding-DNA position 298, C replaced by T.
Protein change: p.Arg100Trp; replaces arginine 100 with tryptophan.
Molecular consequence: missense variant.
Genome position (GRCh38, 1-based): chr1:52,397,789, G>A on the plus strand (C>T on the coding strand, the complement: ORC1 is on the minus strand). VCF-style: chr1-52397789-G-A. GRCh37 (hg19) VCF-style: chr1-52863461-G-A.
Other names: c.298C>T, p.Arg100Trp (NM_001190818.2, NM_001190819.2); short protein forms R100W.
Identifiers: ClinVar variation 2542701 (VCV002542701.5), dbSNP rs146970307, ClinGen allele CA22524251.
Genomic context (GRCh38, chr1:52,397,789, plus strand): 5'-AGGCCGGGTAATCATACCAGAATATTTCCTGTGCACCAGGCTTCCGGCCCAACAAATGCC[G>A]TTTACAGGCAGGGACTTCACAGAATCGGACAAACCACTGTACTCGAGCACGTTTCTTAGG-3'
Protein context (NP_004144.2, residues 90-110): VRFCEVPACK[Arg100Trp]HLLGRKPGAQ